The following is an entry in ClinVar:

ClinVar aggregate classification (germline): Uncertain significance (1 of 4 stars; one submission).

Conditions:
Hereditary spastic paraplegia 47. Also called: Spastic paraplegia 47, autosomal recessive; adaptor protein 4 (AP-4) deficiency syndrome; CEREBRAL PALSY, SPASTIC QUADRIPLEGIC, 5. Identifiers: Orphanet 280763, MedGen C3279738, MONDO:0013551, OMIM 614066.

Allele frequency attached by ClinVar (database versions not stated): gnomAD exomes 0.00001; TOPMed 0.00001.
gnomAD v4.1: 16 of 1,614,200 alleles (0.00099%); highest among the groups gnomAD compares: Admixed American, 0.012%; no homozygotes.

Submission:

Labcorp Genetics (formerly Invitae), Labcorp
Classification: Uncertain significance for Hereditary spastic paraplegia 47. Last evaluated: 2022-04-07. Review status: criteria provided, single submitter. Criteria: Invitae Variant Classification Sherloc (09022015). Collection method: clinical testing. Allele origin: germline.
Comment: This sequence change replaces arginine, which is basic and polar, with cysteine, which is neutral and slightly polar, at codon 583 of the AP4B1 protein (p.Arg583Cys). This variant is present in population databases (no rsID available, gnomAD 0.01%). This variant has not been reported in the literature in individuals affected with AP4B1-related conditions. Algorithms developed to predict the effect of missense changes on protein structure and function output the following: SIFT: "Deleterious"; PolyPhen-2: "Benign"; Align-GVGD: "Class C0". The cysteine amino acid residue is found in multiple mammalian species, which suggests that this missense change does not adversely affect protein function. In summary, the available evidence is currently insufficient to determine the role of this variant in disease. Therefore, it has been classified as a Variant of Uncertain Significance.

NM_001253852.3(AP4B1):c.1747C>T (p.Arg583Cys)

Genes: AP4B1 (adaptor related protein complex 4 subunit beta 1; minus strand), AP4B1-AS1 (AP4B1 antisense RNA 1; plus strand). Cytogenetic location: 1p13.2.
Variant type: single nucleotide variant.
Coding change: c.1747C>T on transcript NM_001253852.3 (MANE Select); coding-DNA position 1747, C replaced by T.
Protein change: p.Arg583Cys; replaces arginine 583 with cysteine.
Molecular consequence: missense variant.
Genome position (GRCh38, 1-based): chr1:113,895,802, G>A on the plus strand (C>T on the coding strand, the complement: AP4B1 is on the minus strand). VCF-style: chr1-113895802-G-A. GRCh37 (hg19) VCF-style: chr1-114438424-G-A.
Other names: c.1450C>T, p.Arg484Cys (NM_001253853.3); c.1243C>T, p.Arg415Cys (NM_001308312.2); c.1747C>T, p.Arg583Cys (NM_006594.5); short protein forms R415C, R583C, R484C.
Identifiers: ClinVar variation 2080510 (VCV002080510.1), dbSNP rs952402725, ClinGen allele CA28995084.